The following is an entry in ClinVar:

NM_001211.6(BUB1B):c.1542T>G (p.Ile514Met)

Gene: BUB1B (BUB1 mitotic checkpoint serine/threonine kinase B; plus strand). Cytogenetic location: 15q15.1.
Variant type: single nucleotide variant.
Coding change: c.1542T>G on transcript NM_001211.6 (MANE Select); coding-DNA position 1542, T replaced by G.
Protein change: p.Ile514Met; replaces isoleucine 514 with methionine.
Molecular consequence: missense variant.
Genome position (GRCh38, 1-based): chr15:40,200,955, T>G. VCF-style: chr15-40200955-T-G. GRCh37 (hg19) VCF-style: chr15-40493156-T-G.
Other names: short protein forms I514M.
Identifiers: ClinVar variation 2700045 (VCV002700045.3), dbSNP rs2542557138, ClinGen allele CA391690747.
Genomic context (GRCh38, chr15:40,200,955, plus strand): 5'-TATTGAGCACATGATTTAAAACAAGTTTCTTTACAGAGAAACTTCACTTGCGGAGAACAT[T>G]TGGCAGGAACAACCTCATTCTAAAGGTGAGTTGTATTTGACAGCCTTGAGAAGAACTTGC-3'
Protein context (NP_001202.5, residues 504-524): CARETSLAEN[Ile514Met]WQEQPHSKGP

ClinVar aggregate classification (germline): Uncertain significance (1 of 4 stars; one submission).

Conditions:
Mosaic variegated aneuploidy syndrome 1 (MVA1). Also called: Warburton-Anyane-Yeboa syndrome. Identifiers: Orphanet 1052, MedGen C1850343, MONDO:0009759, OMIM 257300.

Submission:

Labcorp Genetics (formerly Invitae), Labcorp
Classification: Uncertain significance for Mosaic variegated aneuploidy syndrome 1. Last evaluated: 2023-12-01. Review status: criteria provided, single submitter. Criteria: Invitae Variant Classification Sherloc (09022015). Collection method: clinical testing. Allele origin: germline.
Comment: This sequence change replaces isoleucine, which is neutral and non-polar, with methionine, which is neutral and non-polar, at codon 514 of the BUB1B protein (p.Ile514Met). This variant is not present in population databases (gnomAD no frequency). This variant has not been reported in the literature in individuals affected with BUB1B-related conditions. An algorithm developed to predict the effect of missense changes on protein structure and function (PolyPhen-2) suggests that this variant is likely to be tolerated. In summary, the available evidence is currently insufficient to determine the role of this variant in disease. Therefore, it has been classified as a Variant of Uncertain Significance.